The following is an entry in ClinVar:

ClinVar aggregate classification (germline): Uncertain significance (1 of 4 stars; one submission).

Submission:

Labcorp Genetics (formerly Invitae), Labcorp
Classification: Uncertain significance. Last evaluated: 2022-06-20. Review status: criteria provided, single submitter. Criteria: Invitae Variant Classification Sherloc (09022015). Collection method: clinical testing. Allele origin: germline.
Comment: This sequence change replaces leucine, which is neutral and non-polar, with methionine, which is neutral and non-polar, at codon 618 of the KIAA1161 protein (p.Leu618Met). Information on the frequency of this variant in the gnomAD database is not available, as this variant may be reported differently in the database. This variant has not been reported in the literature in individuals affected with KIAA1161-related conditions. Experimental studies and prediction algorithms are not available or were not evaluated, and the functional significance of this variant is currently unknown. In summary, the available evidence is currently insufficient to determine the role of this variant in disease. Therefore, it has been classified as a Variant of Uncertain Significance.

NM_020702.5(MYORG):c.1851_1852delinsAA (p.Leu618Met)

Gene: MYORG (myogenesis regulating glycosidase; minus strand). Cytogenetic location: 9p13.3.
Variant type: Indel.
Coding change: c.1851_1852delinsAA on transcript NM_020702.5 (MANE Select); coding-DNA positions 1851 to 1852, GC replaced by AA.
Protein change: p.Leu618Met; replaces leucine 618 with methionine.
Molecular consequence: missense variant.
Genome position (GRCh38, 1-based): chr9:34,371,092-34,371,093, GC replaced by TT on the plus strand (GC replaced by AA on the coding strand, the reverse complement: MYORG is on the minus strand). VCF-style: chr9-34371092-GC-TT. GRCh37 (hg19) VCF-style: chr9-34371090-GC-TT.
Other names: short protein forms L618M.
Identifiers: ClinVar variation 1681286 (VCV001681286.3), dbSNP rs2131877924, ClinGen allele CA2573144562.